The following is an entry in ClinVar:

ClinVar aggregate classification (germline): Uncertain significance. Review status: criteria provided, multiple submitters, no conflicts (2 of 4 stars). 2 submissions from 2 submitters: Uncertain significance (2). Last evaluated 2025-12-15.

Conditions:
Neurodegeneration with brain iron accumulation 6 (NBIA6). Also called: COASY protein-associated neurodegeneration. Identifiers: Orphanet 397725, MedGen C4517377, MONDO:0014290, OMIM 615643.

Allele frequency attached by ClinVar (database versions not stated): TOPMed below 0.00001; ExAC 0.00001; gnomAD 0.00001; gnomAD exomes 0.00001.

Submissions (2):

Labcorp Genetics (formerly Invitae), Labcorp
Classification: Uncertain significance for Neurodegeneration with brain iron accumulation 6. Last evaluated: 2025-12-15. Review status: criteria provided, single submitter. Criteria: Invitae Variant Classification Sherloc (09022015). Collection method: clinical testing. Allele origin: germline.
Comment: This sequence change replaces leucine, which is neutral and non-polar, with proline, which is neutral and non-polar, at codon 426 of the COASY protein (p.Leu426Pro). This variant is present in population databases (rs746456954, gnomAD 0.006%). This variant has not been reported in the literature in individuals affected with COASY-related conditions. ClinVar contains an entry for this variant (Variation ID: 2187085). Invitae Evidence Modeling of protein sequence and biophysical properties (such as structural, functional, and spatial information, amino acid conservation, physicochemical variation, residue mobility, and thermodynamic stability) indicates that this missense variant is expected to disrupt COASY protein function with a positive predictive value of 80%. In summary, the available evidence is currently insufficient to determine the role of this variant in disease. Therefore, it has been classified as a Variant of Uncertain Significance.

Ambry Genetics
Classification: Uncertain significance. Last evaluated: 2025-07-16. Review status: criteria provided, single submitter. Criteria: Ambry Variant Classification Scheme 2023. Collection method: clinical testing. Allele origin: germline.

NM_025233.7(COASY):c.1277T>C (p.Leu426Pro)

Gene: COASY (Coenzyme A synthase; plus strand). Cytogenetic location: 17q21.2.
Variant type: single nucleotide variant.
Coding change: c.1277T>C on transcript NM_025233.7 (MANE Select); coding-DNA position 1277, T replaced by C.
Protein change: p.Leu426Pro; replaces leucine 426 with proline.
Molecular consequence: missense variant.
Genome position (GRCh38, 1-based): chr17:42,565,022, T>C. VCF-style: chr17-42565022-T-C. GRCh37 (hg19) VCF-style: chr17-40717040-T-C.
Other names: c.1364T>C (NM_001042532.2); c.1277T>C, p.Leu426Pro (NM_001042529.3); c.1364T>C, p.Leu455Pro (NM_001042532.4); short protein forms L455P, L426P.
Identifiers: ClinVar variation 2187085 (VCV002187085.3), dbSNP rs746456954, ClinGen allele CA8578245.
Genomic context (GRCh38, chr17:42,565,022, plus strand): 5'-TTGTCTGTCTGTGTTGTCCAGATATTCTCCATAAAGATGGCATCATCAACAGGAAGGTCC[T>C]AGGCAGCCGGGTGTTTGGGAATAAGGTAAACAATAACTTCCTAAGGGCTCCTAAGCCGCT-3'
Protein context (NP_079509.5, residues 416-436): HKDGIINRKV[Leu426Pro]GSRVFGNKKQ